The following is an entry in ClinVar:

NM_000091.5(COL4A3):c.3391G>A (p.Gly1131Ser)

Genes: MFF-DT (MFF divergent transcript; minus strand), COL4A3 (collagen type IV alpha 3 chain; plus strand). Cytogenetic location: 2q36.3.
Variant type: single nucleotide variant.
Coding change: c.3391G>A on transcript NM_000091.5 (MANE Select); coding-DNA position 3391, G replaced by A.
Protein change: p.Gly1131Ser; replaces glycine 1131 with serine.
Molecular consequence: missense variant.
Genome position (GRCh38, 1-based): chr2:227,294,543, G>A. VCF-style: chr2-227294543-G-A. GRCh37 (hg19) VCF-style: chr2-228159259-G-A.
Other names: short protein forms G1131S.
Identifiers: ClinVar variation 3367108 (VCV003367108.1).

ClinVar aggregate classification (germline): Uncertain significance (1 of 4 stars; one submission).

Conditions:
Autosomal dominant Alport syndrome (ATS3A). Also called: Alport syndrome dominant type; Renal failure and sensorineural hearing loss; ALPORT SYNDROME 3A, AUTOSOMAL DOMINANT. Identifiers: Orphanet 63, Orphanet 88918, MedGen C5882663, MONDO:0007086, OMIM 104200.

Submission:

Neuberg Centre For Genomic Medicine, NCGM
Classification: Uncertain significance for Autosomal dominant Alport syndrome. Last evaluated: 2023-05-20. Review status: criteria provided, single submitter. Criteria: ACMG Guidelines, 2015. Collection method: clinical testing. Allele origin: germline. Inheritance: Autosomal dominant inheritance. Affected: yes.
Comment: The observed missense variant c.3391G>A(p.Gly1131Ser) in the COL4A3 gene has not been reported previously as a pathogenic variant nor as a benign variant, to our knowledge. This variant is absent in the gnomAD Exomes. The amino acid Glycine at position 1131 is changed to a Serine changing protein sequence and it might alter its composition and physico-chemical properties. Multiple lines of computational evidence (Polyphen - Damaging, SIFT - Damaging and MutationTaster - Disease causing) predict a damaging effect on protein structure and function for this variant. The residue is conserved by GERP++ and PhyloP across 100 vertebrates. For these reasons, this variant has been classified as Uncertain Significance.